The following is an entry in ClinVar:

ClinVar aggregate classification (germline): Uncertain significance (1 of 4 stars; one submission).

Conditions:
CHARGE syndrome (CHARGE). Also called: Coloboma, heart anomaly, choanal atresia, retardation, genital and ear anomalies; CHARGE association; Hall-Hittner syndrome; Hittner Hirsch Kreh syndrome; CHARGE ASSOCIATION--COLOBOMA, HEART ANOMALY, CHOANAL ATRESIA, RETARDATION, GENITAL AND EAR ANOMALIES. Identifiers: Orphanet 138, MedGen C0265354, MONDO:0008965.

Submission:

Labcorp Genetics (formerly Invitae), Labcorp
Classification: Uncertain significance for CHARGE syndrome. Last evaluated: 2022-08-13. Review status: criteria provided, single submitter. Criteria: Invitae Variant Classification Sherloc (09022015). Collection method: clinical testing. Allele origin: germline.
Comment: In summary, the available evidence is currently insufficient to determine the role of this variant in disease. Therefore, it has been classified as a Variant of Uncertain Significance. This sequence change replaces methionine, which is neutral and non-polar, with leucine, which is neutral and non-polar, at codon 2276 of the CHD7 protein (p.Met2276Leu). This variant is not present in population databases (gnomAD no frequency). This variant has not been reported in the literature in individuals affected with CHD7-related conditions. Advanced modeling of protein sequence and biophysical properties (such as structural, functional, and spatial information, amino acid conservation, physicochemical variation, residue mobility, and thermodynamic stability) performed at Invitae indicates that this missense variant is not expected to disrupt CHD7 protein function.

NM_017780.4(CHD7):c.6826A>T (p.Met2276Leu)

Gene: CHD7 (chromodomain helicase DNA binding protein 7; plus strand). Cytogenetic location: 8q12.2.
Variant type: single nucleotide variant.
Coding change: c.6826A>T on transcript NM_017780.4 (MANE Select); coding-DNA position 6826, A replaced by T.
Protein change: p.Met2276Leu; replaces methionine 2276 with leucine.
Molecular consequence: missense variant. On other transcripts: intron variant (1).
Genome position (GRCh38, 1-based): chr8:60,854,413, A>T. VCF-style: chr8-60854413-A-T. GRCh37 (hg19) VCF-style: chr8-61766972-A-T.
Other names: c.1717-7816A>T (NM_001316690.1); short protein forms M2276L.
Identifiers: ClinVar variation 1716314 (VCV001716314.5), dbSNP rs746576881, ClinGen allele CA371294734.